The following is an entry in ClinVar:

NM_000709.3(BCKDHA):c.-25G>C

Gene: BCKDHA (branched chain keto acid dehydrogenase E1 subunit alpha; plus strand). Cytogenetic location: 19q13.2.
Variant type: single nucleotide variant.
Coding change: c.-25G>C on transcript NM_000709.3; 25 bases upstream of the start codon, G replaced by C.
Genome position (GRCh38, 1-based): chr19:41,397,803, G>C. VCF-style: chr19-41397803-G-C. GRCh37 (hg19) VCF-style: chr19-41903708-G-C.
Identifiers: ClinVar variation 329356 (VCV000329356.7), dbSNP rs202084220, ClinGen allele CA9460955.

ClinVar aggregate classification (germline): Likely benign (1 of 4 stars; one submission).

Allele frequency attached by ClinVar (database versions not stated): gnomAD 0.00027 and 0.00028; ExAC 0.00030; ESP Exome Variant Server 0.00023; TOPMed 0.00031; gnomAD exomes 0.00051.

Submission:

GeneDx
Classification: Likely benign. Last evaluated: 2018-02-22. Review status: criteria provided, single submitter. Criteria: GeneDx Variant Classification (06012015). Collection method: clinical testing. Allele origin: germline. Affected: yes.
Comment: This variant is considered likely benign or benign based on one or more of the following criteria: it is a conservative change, it occurs at a poorly conserved position in the protein, it is predicted to be benign by multiple in silico algorithms, and/or has population frequency not consistent with disease.